The following is an entry in ClinVar:

ClinVar aggregate classification (germline): Pathogenic/Likely pathogenic. Review status: criteria provided, multiple submitters, no conflicts (2 of 4 stars). 2 submissions from 2 submitters: Pathogenic (1); Likely pathogenic (1). Last evaluated 2025-01-21.

Conditions:
Neurodevelopmental disorder with hypotonia, dysmorphic facies, and skeletal anomalies, with or without seizures (NEDFSS). Also called: TRPM3-Related Neurodevelopmental Disorder. Identifiers: MedGen C5830244, MONDO:0859365, OMIM 620224.

Submissions (2):

GeneDx
Classification: Pathogenic. Last evaluated: 2025-01-21. Review status: criteria provided, single submitter. Criteria: GeneDx Variant Classification Process June 2021. Collection method: clinical testing. Allele origin: germline. Affected: yes.
Comment: Not observed at significant frequency in large population cohorts (gnomAD); In silico analysis supports that this missense variant has a deleterious effect on protein structure/function; This variant is associated with the following publications: (PMID: 36648066)

Shriners Children's Clinical Research, Shriners Children's Northern California
Classification: Likely pathogenic for Neurodevelopmental disorder with hypotonia, dysmorphic facies, and skeletal anomalies, with or without seizures. Review status: criteria provided, single submitter. Criteria: ACMG Guidelines, 2015. Collection method: research. Allele origin: de novo. Inheritance: Autosomal dominant inheritance. Affected: yes. Observed: 1 heterozygote.

NM_001366145.2(TRPM3):c.3376A>G (p.Asn1126Asp)

Gene: TRPM3 (transient receptor potential cation channel subfamily M member 3; minus strand). Cytogenetic location: 9q21.12.
Variant type: single nucleotide variant.
Coding change: c.3376A>G on transcript NM_001366145.2 (MANE Select); coding-DNA position 3376, A replaced by G.
Protein change: p.Asn1126Asp; replaces asparagine 1126 with aspartic acid.
Molecular consequence: missense variant.
Genome position (GRCh38, 1-based): chr9:70,553,042, T>C on the plus strand (A>G on the coding strand, the complement: TRPM3 is on the minus strand). VCF-style: chr9-70553042-T-C. GRCh37 (hg19) VCF-style: chr9-73167958-T-C.
Other names: p.(Asn1126Asp); c.3340A>G, p.Asn1114Asp (NM_001007471.4, NM_001366151.2); c.3346A>G, p.Asn1116Asp (NM_001366141.2, NM_001366143.2, NM_001366149.2); c.3382A>G, p.Asn1128Asp (NM_001366142.2); c.3376A>G, p.Asn1126Asp (NM_001366146.2); c.3451A>G, p.Asn1151Asp (NM_001366147.2, NM_001366152.2); c.3421A>G, p.Asn1141Asp (NM_001366148.2); c.3310A>G, p.Asn1104Asp (NM_001366150.2); and 6 more; short protein forms N1104D, N1114D, N1116D, N1126D, N1128D, N1141D, N1151D, N951D.
Identifiers: ClinVar variation 1193351 (VCV001193351.4), dbSNP rs2131863747, ClinGen allele CA373553949.